The following is an entry in ClinVar:

ClinVar aggregate classification (germline): Likely pathogenic (3 of 4 stars; one submission).

Conditions:
Glanzmann thrombasthenia. Also called: BLEEDING DISORDER, PLATELET-TYPE, 2; THROMBASTHENIA OF GLANZMANN AND NAEGELI; Glanzmann's thrombasthenia; Thrombasthenia; PLATELET GLYCOPROTEIN IIb-IIIa DEFICIENCY. Identifiers: Orphanet 849, MedGen C0040015, MONDO:0100326.

Submission:

ClinGen Platelet Disorders Variant Curation Expert Panel, ClinGen
Classification: Likely pathogenic for Glanzmann thrombasthenia. Last evaluated: 2023-08-15. Review status: reviewed by expert panel. Criteria: ClinGen Platelet ACMG Specifications v2-1. Collection method: curation. Allele origin: germline. Inheritance: Autosomal recessive inheritance.
Comment: The NM_000212.3(ITGB3):c.362-1G>A splice variant alters the acceptor site of intron 3 and is expected to result in the out of frame skipping of exon 4, the resulting frameshift would generate a stop codon in the next position and is predicted to cause NMD (PVS1). This variant has not been reported in the literature, to our knowledge and has only been observed by Illumina in a predisposition screen in an ostensibly healthy population. It is absent from gnomADv2.1.1 (PM2_supporting). In summary, this variant meets the criteria to be classified likely pathogenic for autosomal recessive Glanzmann Thrombasthenia based on the ACMG/AMP criteria applied, as specified by the ClinGen PD VCEP: PM2_Supporting, PVS1 (PD VCEP specifications version 2.1).

NM_000212.3(ITGB3):c.362-1G>A

Gene: ITGB3 (integrin subunit beta 3; plus strand). Cytogenetic location: 17q21.32.
Variant type: single nucleotide variant.
Coding change: c.362-1G>A on transcript NM_000212.3 (MANE Select); the canonical splice acceptor site of the intron before coding-DNA position 362, G replaced by A.
Molecular consequence: splice acceptor variant.
Genome position (GRCh38, 1-based): chr17:47,284,442, G>A. VCF-style: chr17-47284442-G-A. GRCh37 (hg19) VCF-style: chr17-45361808-G-A.
Other names: c.362-1G>A (NM_000212.2).
Identifiers: ClinVar variation 631775 (VCV000631775.8), dbSNP rs1567764299, ClinGen allele CA400021523.
Genomic context (GRCh38, chr17:47,284,442, plus strand): 5'-ATCTGCTTATTCAATCTTGGTGGGAGAAGAAGATAAAAACTAACATCTTTCTGCCTTCCA[G>A]ATGATTCGAAGAATTTCTCCATCCAAGTGCGGCAGGTGGAGGATTACCCTGTGGACATCT-3'